The following is an entry in ClinVar:

NM_001367624.2(ZNF469):c.10393G>A (p.Ala3465Thr)

Gene: ZNF469 (zinc finger protein 469; plus strand). Cytogenetic location: 16q24.2.
Variant type: single nucleotide variant.
Coding change: c.10393G>A on transcript NM_001367624.2 (MANE Select); coding-DNA position 10393, G replaced by A.
Protein change: p.Ala3465Thr; replaces alanine 3465 with threonine.
Molecular consequence: missense variant.
Genome position (GRCh38, 1-based): chr16:88,437,863, G>A. VCF-style: chr16-88437863-G-A. GRCh37 (hg19) VCF-style: chr16-88504271-G-A.
Other names: NM_001127464.1:c.10309G>A; short protein forms A3465T.
Identifiers: ClinVar variation 5032202 (VCV005032202.1).
Genomic context (GRCh38, chr16:88,437,863, plus strand): 5'-CGGCAGCCCTTCGCGTTCCGCGGCGTGCGGAGGCCGGGAGCGCCGGGACAGAAGGCCCGG[G>A]CCCTCGAGGGCACACTGCCCAGCAAACGGCGCAGGGTGGCCATGCCCGGCAGTGCCCCTG-3'
Protein context (NP_001354553.1, residues 3455-3475): RPGAPGQKAR[Ala3465Thr]LEGTLPSKRR

ClinVar aggregate classification (germline): Uncertain significance (1 of 4 stars; one submission).

Conditions:
Cardiovascular phenotype. Identifiers: MedGen CN230736.

gnomAD v4.1: 2 of 1,539,184 alleles (0.00013%); highest among the groups gnomAD compares: East Asian, 0.0025%; no homozygotes.

Submission:

Ambry Genetics
Classification: Uncertain significance for Cardiovascular phenotype. Last evaluated: 2026-06-18. Review status: criteria provided, single submitter. Criteria: Ambry Variant Classification Scheme 2023. Collection method: clinical testing. Allele origin: germline.
Comment: The p.A3437T variant (also known as c.10309G>A), located in coding exon 2 of the ZNF469 gene, results from a G to A substitution at nucleotide position 10309. The alanine at codon 3437 is replaced by threonine, an amino acid with similar properties. This amino acid position is conserved. In addition, this alteration is predicted to be tolerated by in silico analysis. Based on the available evidence, the clinical significance of this variant remains unclear.